The following is an entry in ClinVar:

NM_001958.5(EEF1A2):c.332G>A (p.Cys111Tyr)

Gene: EEF1A2 (eukaryotic translation elongation factor 1 alpha 2; minus strand). Cytogenetic location: 20q13.33.
Variant type: single nucleotide variant.
Coding change: c.332G>A on transcript NM_001958.5 (MANE Select); coding-DNA position 332, G replaced by A.
Protein change: p.Cys111Tyr; replaces cysteine 111 with tyrosine.
Molecular consequence: missense variant.
Genome position (GRCh38, 1-based): chr20:63,495,094, C>T on the plus strand (G>A on the coding strand, the complement: EEF1A2 is on the minus strand). VCF-style: chr20-63495094-C-T. GRCh37 (hg19) VCF-style: chr20-62126447-C-T.
Other names: short protein forms C111Y.
Identifiers: ClinVar variation 1661415 (VCV001661415.12), dbSNP rs2145944981, ClinGen allele CA409650511.

ClinVar aggregate classification (germline): Conflicting classifications of pathogenicity. Review status: criteria provided, conflicting classifications (1 of 4 stars). 3 submissions from 3 submitters: Likely pathogenic (1); Uncertain significance (1); Likely benign (1). Last evaluated 2026-10-16.

Conditions:
Developmental and epileptic encephalopathy, 33 (DEE33). Also called: Epileptic encephalopathy, early infantile, 33. Identifiers: Orphanet 442835, MedGen C4225337, MONDO:0014625, OMIM 616409.
Intellectual developmental disorder, autosomal dominant 38. Also called: PSYCHOMOTOR RETARDATION, EPILEPSY, AND LANGUAGE DISABILITY SYNDROME; Intellectual disability, autosomal dominant 38. Identifiers: MedGen C4225343, MONDO:0014617, OMIM 616393.

Allele frequency attached by ClinVar (database versions not stated): gnomAD exomes below 0.00001.
gnomAD v4.1: 1 of 1,608,656 alleles (0.000062%); highest among the groups gnomAD compares: Non-Finnish European, 0.000085%; no homozygotes.

Submissions (3):

GeneDx
Classification: Uncertain significance. Last evaluated: 2026-10-16. Review status: criteria provided, single submitter. Criteria: GeneDx Variant Classification Process June 2021. Collection method: clinical testing. Allele origin: germline.
Comment: Not observed at significant frequency in large population cohorts (gnomAD); In silico analysis supports that this missense variant has a deleterious effect on protein structure/function; Has not been previously published as pathogenic or benign to our knowledge

Labcorp Genetics (formerly Invitae), Labcorp
Classification: Likely benign for Developmental and epileptic encephalopathy, 33. Last evaluated: 2024-10-29. Review status: criteria provided, single submitter. Criteria: Invitae Variant Classification Sherloc (09022015). Collection method: clinical testing. Allele origin: germline.

Victorian Clinical Genetics Services, Murdoch Childrens Research Institute
Classification: Likely pathogenic for Intellectual developmental disorder, autosomal dominant 38. Last evaluated: 2022-02-02. Review status: criteria provided, single submitter. Criteria: ACMG Guidelines, 2015. Collection method: clinical testing. Allele origin: germline. Inheritance: Autosomal dominant inheritance. Affected: yes.
Comment: Based on the classification scheme VCGS_Germline_v1.3.4, this variant is classified as Likely pathogenic. Following criteria are met: 0105 - The mechanism of disease for this gene is not clearly established. However, gain-of-function has been suggested (PMID: 32160274). (I) 0107 - This gene is associated with autosomal dominant disease. (I) 0200 - Variant is predicted to result in a missense amino acid change from cysteine to tyrosine. (I) 0251 - This variant is heterozygous. (I) 0301 - Variant is absent from gnomAD (both v2 and v3). (SP) 0501 - Missense variant consistently predicted to be damaging by multiple in silico tools or highly conserved with a major amino acid change. (SP) 0603 - Missense variant in a region that is highly intolerant to missense variation (high constraint region in DECIPHER). (SP) 0705 - No comparable missense variants have previous evidence for pathogenicity. (I) 0807 - This variant has no previous evidence of pathogenicity. (I) 0905 - No published segregation evidence has been identified for this variant. (I) 1007 - No published functional evidence has been identified for this variant. (SP) Legend: (SP) - Supporting pathogenic, (I) - Information, (SB) - Supporting benign

Literature cited by the submitters: PubMed 32160274 (cited by Victorian Clinical Genetics Services, Murdoch Childrens Research Institute).